The following is an entry in ClinVar:

ClinVar aggregate classification (germline): Pathogenic (1 of 4 stars; one submission).

Submission:

Labcorp Genetics (formerly Invitae), Labcorp
Classification: Pathogenic. Last evaluated: 2023-09-10. Review status: criteria provided, single submitter. Criteria: Invitae Variant Classification Sherloc (09022015). Collection method: clinical testing. Allele origin: unknown.
Comment: For these reasons, this variant has been classified as Pathogenic. This variant disrupts a region of the ATP8B1 protein in which other variant(s) (p.Val997Met) have been determined to be pathogenic (PMID: 33666275, 34016879, 35431768). This suggests that this is a clinically significant region of the protein, and that variants that disrupt it are likely to be disease-causing. This variant has not been reported in the literature in individuals affected with ATP8B1-related conditions. This variant is a gross deletion of the genomic region encompassing exon(s) 24 of the ATP8B1 gene. This variant would be expected to be in-frame, preserving the integrity of the reading frame.

Literature cited by the submitters: PubMed 33666275; PubMed 34016879; PubMed 35431768.

NC_000018.9:g.(?_55321204)_(55321327_?)del

Gene: ATP8B1 (ATPase phospholipid transporting 8B1; minus strand). Cytogenetic location: 18q21.31.
Variant type: Deletion.
Identifiers: ClinVar variation 3242795 (VCV003242795.1).